The following is an entry in ClinVar:

NM_001080449.3(DNA2):c.1415+8G>A

Gene: DNA2 (DNA replication helicase/nuclease 2; minus strand). Cytogenetic location: 10q21.3.
Variant type: single nucleotide variant.
Coding change: c.1415+8G>A on transcript NM_001080449.3 (MANE Select); 8 bases into the intron after coding-DNA position 1415, G replaced by A.
Molecular consequence: intron variant.
Genome position (GRCh38, 1-based): chr10:68,442,909, C>T on the plus strand (G>A on the coding strand, the complement: DNA2 is on the minus strand). VCF-style: chr10-68442909-C-T. GRCh37 (hg19) VCF-style: chr10-70202666-C-T.
Identifiers: ClinVar variation 1563978 (VCV001563978.31), dbSNP rs564046796, ClinGen allele CA5525083.
Genomic context (GRCh38, chr10:68,442,909, plus strand): 5'-ATTCCAAAGGCCACCTCATTCACTAATCCAAACTACTGAAATCTTACTGTACTAAATGGA[C>T]CACTTACATTTCCGAAGCAGGCATTAGCCAGATATTTTGGTGATTCTTTTTATTATCCTT-3'

ClinVar aggregate classification (germline): Benign/Likely benign. Review status: criteria provided, multiple submitters, no conflicts (2 of 4 stars). 2 submissions from 2 submitters: Benign (1); Likely benign (1). Last evaluated 2026-01-05.

Allele frequency attached by ClinVar (database versions not stated): gnomAD 0.00001 and 0.00029; TOPMed 0.00002; gnomAD exomes 0.00075; ExAC 0.00115; 1000 Genomes Project 0.00240; 1000 Genomes Project 30x 0.00281.
gnomAD v4.1: 617 of 1,604,240 alleles (0.038%); highest among the groups gnomAD compares: South Asian, 0.66%; 11 homozygotes.

Submissions (2):

Labcorp Genetics (formerly Invitae), Labcorp
Classification: Benign. Last evaluated: 2026-01-05. Review status: criteria provided, single submitter. Criteria: Invitae Variant Classification Sherloc (09022015). Collection method: clinical testing. Allele origin: germline.

CeGaT Center for Human Genetics Tuebingen
Classification: Likely benign. Last evaluated: 2022-06-01. Review status: criteria provided, single submitter. Criteria: CeGaT Center For Human Genetics Tuebingen Variant Classification Criteria Version 2. Collection method: clinical testing. Allele origin: germline. Affected: yes. Observed: 1 variant allele.
Comment: DNA2: BP4, BS2